The following is an entry in ClinVar:

ClinVar aggregate classification (germline): Uncertain significance (1 of 4 stars; one submission).

Submission:

Labcorp Genetics (formerly Invitae), Labcorp
Classification: Uncertain significance. Last evaluated: 2022-10-20. Review status: criteria provided, single submitter. Criteria: Invitae Variant Classification Sherloc (09022015). Collection method: clinical testing. Allele origin: germline.
Comment: In summary, the available evidence is currently insufficient to determine the role of this variant in disease. Therefore, it has been classified as a Variant of Uncertain Significance. Experimental studies and prediction algorithms are not available or were not evaluated, and the functional significance of this variant is currently unknown. This variant has not been reported in the literature in individuals affected with RECQL-related conditions. This variant is not present in population databases (gnomAD no frequency). This sequence change creates a premature translational stop signal (p.Ser202*) in the RECQL gene. It is expected to result in an absent or disrupted protein product. However, the current clinical and genetic evidence is not sufficient to establish whether loss-of-function variants in RECQL cause disease.

NM_002907.4(RECQL):c.605C>G (p.Ser202Ter)

Gene: RECQL (RecQ like helicase; minus strand). Cytogenetic location: 12p12.1.
Variant type: single nucleotide variant.
Coding change: c.605C>G on transcript NM_002907.4 (MANE Select); coding-DNA position 605, C replaced by G.
Protein change: p.Ser202Ter; replaces serine 202 with a stop codon.
Molecular consequence: nonsense.
Genome position (GRCh38, 1-based): chr12:21,483,471, G>C on the plus strand (C>G on the coding strand, the complement: RECQL is on the minus strand). VCF-style: chr12-21483471-G-C. GRCh37 (hg19) VCF-style: chr12-21636405-G-C.
Other names: c.605C>G, p.Ser202Ter (NM_032941.3); short protein forms S202*.
Identifiers: ClinVar variation 1897553 (VCV001897553.5), dbSNP rs374034237, ClinGen allele CA384127245.